The following is an entry in ClinVar:

NM_015978.3(TNNI3K):c.259C>G (p.Leu87Val)

Genes: FPGT-TNNI3K (FPGT-TNNI3K readthrough; plus strand), TNNI3K (TNNI3 interacting kinase; plus strand). Cytogenetic location: 1p31.1.
Variant type: single nucleotide variant.
Coding change: c.259C>G on transcript NM_015978.3 (MANE Select); coding-DNA position 259, C replaced by G.
Protein change: p.Leu87Val; replaces leucine 87 with valine.
Molecular consequence: missense variant.
Genome position (GRCh38, 1-based): chr1:74,250,695, C>G. VCF-style: chr1-74250695-C-G. GRCh37 (hg19) VCF-style: chr1-74716379-C-G.
Other names: c.562C>G, p.Leu188Val (NM_001112808.3, NM_001199327.2); short protein forms L188V, L87V.
Identifiers: ClinVar variation 4744652 (VCV004744652.1).

ClinVar aggregate classification (germline): Uncertain significance (1 of 4 stars; one submission).

Submission:

Labcorp Genetics (formerly Invitae), Labcorp
Classification: Uncertain significance. Last evaluated: 2025-11-21. Review status: criteria provided, single submitter. Criteria: Invitae Variant Classification Sherloc (09022015). Collection method: clinical testing. Allele origin: germline.
Comment: This sequence change replaces leucine, which is neutral and non-polar, with valine, which is neutral and non-polar, at codon 87 of the TNNI3K protein (p.Leu87Val). This variant is not present in population databases (gnomAD no frequency). This variant has not been reported in the literature in individuals affected with TNNI3K-related conditions. Invitae Evidence Modeling of protein sequence and biophysical properties (such as structural, functional, and spatial information, amino acid conservation, physicochemical variation, residue mobility, and thermodynamic stability) indicates that this missense variant is not expected to disrupt TNNI3K protein function with a negative predictive value of 80%. In summary, the available evidence is currently insufficient to determine the role of this variant in disease. Therefore, it has been classified as a Variant of Uncertain Significance.